The following is an entry in ClinVar:

ClinVar aggregate classification (germline): Pathogenic/Likely pathogenic. Review status: criteria provided, multiple submitters, no conflicts (2 of 4 stars). 2 submissions from 2 submitters: Pathogenic (1); Likely pathogenic (1). Last evaluated 2024-09-03.

Conditions:
Nemaline myopathy 2 (NEM2). Also called: Nemaline myopathy 2, autosomal recessive. Identifiers: MedGen C1850569, MONDO:0009725, OMIM 256030.
Arthrogryposis multiplex congenita 6. Identifiers: MedGen C5543431, MONDO:0030281, OMIM 619334.

Allele frequency attached by ClinVar (database versions not stated): TOPMed below 0.00001; gnomAD 0.00001.
gnomAD v4.1: 6 of 1,551,270 alleles (0.00039%); highest among the groups gnomAD compares: Non-Finnish European, 0.00052%; no homozygotes.

Submissions (2):

Labcorp Genetics (formerly Invitae), Labcorp
Classification: Pathogenic for Nemaline myopathy 2. Last evaluated: 2024-09-03. Review status: criteria provided, single submitter. Criteria: Invitae Variant Classification Sherloc (09022015). Collection method: clinical testing. Allele origin: germline.
Comment: This sequence change creates a premature translational stop signal (p.Gln8093*) in the NEB gene. It is expected to result in an absent or disrupted protein product. Loss-of-function variants in NEB are known to be pathogenic (PMID: 25205138). This variant is not present in population databases (gnomAD no frequency). This variant has not been reported in the literature in individuals affected with NEB-related conditions. ClinVar contains an entry for this variant (Variation ID: 642100). Algorithms developed to predict the effect of sequence changes on RNA splicing suggest that this variant may disrupt the consensus splice site. For these reasons, this variant has been classified as Pathogenic.

Baylor Genetics
Classification: Likely pathogenic for Arthrogryposis multiplex congenita 6. Last evaluated: 2023-05-24. Review status: criteria provided, single submitter. Criteria: ACMG Guidelines, 2015. Collection method: clinical testing. Allele origin: unknown.

Literature cited by the submitters: PubMed 25205138 (cited by Labcorp Genetics (formerly Invitae), Labcorp).

NM_001164508.2(NEB):c.24172C>T (p.Gln8058Ter)

Genes: RIF1 (replication timing regulatory factor 1; plus strand), NEB (nebulin; minus strand). Cytogenetic location: 2q23.3.
Variant type: single nucleotide variant.
Coding change: c.24172C>T on transcript NM_001164508.2 (MANE Select); coding-DNA position 24172, C replaced by T.
Protein change: p.Gln8058Ter; replaces glutamine 8058 with a stop codon.
Molecular consequence: nonsense. On other transcripts: intron variant (1).
Genome position (GRCh38, 1-based): chr2:151,498,295, G>A on the plus strand (C>T on the coding strand, the complement: NEB is on the minus strand). VCF-style: chr2-151498295-G-A. GRCh37 (hg19) VCF-style: chr2-152354809-G-A.
Other names: c.24277C>T, p.Gln8093Ter (NM_001271208.2); c.18826-1927C>T (NM_004543.5); c.24172C>T, p.Gln8058Ter (NM_001164507.2); short protein forms Q8058*, Q8093*.
Identifiers: ClinVar variation 642100 (VCV000642100.7), dbSNP rs1323364980, ClinGen allele CA348779212.
Genomic context (GRCh38, chr2:151,498,295, plus strand): 5'-TTTTTCCCCTTTCTTTCCAAAATACCGAGCTAAGGTTTTCTTGATTGTGTTTGACTCTCT[G>A]CATCTCAGGAGTGATGGGGATTGGAATTCCTGTCCCCAGGTTTTCTTTGTATAGCACCTG-3'